The following is an entry in ClinVar:

ClinVar aggregate classification (germline): Uncertain significance (1 of 4 stars; one submission).

Conditions:
Inclusion body myopathy with early-onset Paget disease with or without frontotemporal dementia 2 (IBMPFD2). Also called: MULTISYSTEM PROTEINOPATHY 2. Identifiers: MedGen C3809468, MONDO:0014178, OMIM 615422.

Submission:

Labcorp Genetics (formerly Invitae), Labcorp
Classification: Uncertain significance for Inclusion body myopathy with early-onset Paget disease with or without frontotemporal dementia 2. Last evaluated: 2024-03-13. Review status: criteria provided, single submitter. Criteria: Invitae Variant Classification Sherloc (09022015). Collection method: clinical testing. Allele origin: germline.
Comment: This variant, c.984_986del, results in the deletion of 1 amino acid(s) of the HNRNPA2B1 protein (p.Gly329del), but otherwise preserves the integrity of the reading frame. This variant is present in population databases (rs745758500, gnomAD 0.006%). This variant has not been reported in the literature in individuals affected with HNRNPA2B1-related conditions. ClinVar contains an entry for this variant (Variation ID: 1402601). Experimental studies and prediction algorithms are not available or were not evaluated, and the functional significance of this variant is currently unknown. In summary, the available evidence is currently insufficient to determine the role of this variant in disease. Therefore, it has been classified as a Variant of Uncertain Significance.

NM_002137.4(HNRNPA2B1):c.948_950del (p.Gly317del)

Gene: HNRNPA2B1 (heterogeneous nuclear ribonucleoprotein A2/B1; minus strand). Cytogenetic location: 7p15.2.
Variant type: Deletion.
Coding change: c.948_950del on transcript NM_002137.4 (MANE Select); coding-DNA positions 948 to 950, 3 bases deleted (GGG; older notation c.948_950delGGG).
Protein change: p.Gly317del; deletes glycine 317.
Molecular consequence: inframe deletion. On other transcripts: inframe indel (1).
Genome position (GRCh38, 1-based): chr7:26,193,265-26,193,267, CCC deleted on the plus strand (GGG on the coding strand, the reverse complement: HNRNPA2B1 is on the minus strand); deleting any 3 consecutive bases within chr7:26,193,265-26,193,270 gives the same sequence; the c. name uses the placement nearest the transcript's 3' end. VCF-style (leftmost placement, unchanged base first): chr7-26193264-TCCC-T. GRCh37 (hg19) VCF-style: chr7-26232884-TCCC-T.
Other names: c.981_983delGGG, p.Gly329del (NM_031243.4); short protein forms G317del, G329del.
Identifiers: ClinVar variation 1402601 (VCV001402601.6), dbSNP rs745758500, ClinGen allele CA4194411.